The following is an entry in ClinVar:

ClinVar aggregate classification (germline): Uncertain significance. Review status: criteria provided, multiple submitters, no conflicts (2 of 4 stars). 2 submissions from 2 submitters: Uncertain significance (2). Last evaluated 2024-04-06.

gnomAD v4.1: 5 of 1,612,840 alleles (0.00031%); highest among the groups gnomAD compares: Non-Finnish European, 0.00042%; no homozygotes.

Submissions (2):

Labcorp Genetics (formerly Invitae), Labcorp
Classification: Uncertain significance. Last evaluated: 2024-04-06. Review status: criteria provided, single submitter. Criteria: Invitae Variant Classification Sherloc (09022015). Collection method: clinical testing. Allele origin: germline.
Comment: This sequence change replaces glutamic acid, which is acidic and polar, with valine, which is neutral and non-polar, at codon 140 of the FGFR3 protein (p.Glu140Val). This variant is not present in population databases (gnomAD no frequency). This variant has not been reported in the literature in individuals affected with FGFR3-related conditions. Algorithms developed to predict the effect of missense changes on protein structure and function output the following: SIFT: "Not Available"; PolyPhen-2: "Benign"; Align-GVGD: "Not Available". The valine amino acid residue is found in multiple mammalian species, which suggests that this missense change does not adversely affect protein function. In summary, the available evidence is currently insufficient to determine the role of this variant in disease. Therefore, it has been classified as a Variant of Uncertain Significance.

GeneDx
Classification: Uncertain significance. Last evaluated: 2023-06-23. Review status: criteria provided, single submitter. Criteria: GeneDx Variant Classification Process June 2021. Collection method: clinical testing. Allele origin: germline. Affected: yes.
Comment: Not observed at significant frequency in large population cohorts (gnomAD); In silico analysis supports that this missense variant does not alter protein structure/function; Has not been previously published as pathogenic or benign to our knowledge

NM_000142.5(FGFR3):c.419A>T (p.Glu140Val)

Gene: FGFR3 (fibroblast growth factor receptor 3; plus strand). Cytogenetic location: 4p16.3.
Variant type: single nucleotide variant.
Coding change: c.419A>T on transcript NM_000142.5 (MANE Select); coding-DNA position 419, A replaced by T.
Protein change: p.Glu140Val; replaces glutamic acid 140 with valine.
Molecular consequence: missense variant. On other transcripts: non-coding transcript variant (1).
Genome position (GRCh38, 1-based): chr4:1,799,786, A>T. VCF-style: chr4-1799786-A-T. GRCh37 (hg19) VCF-style: chr4-1801513-A-T.
Other names: c.419A>T, p.Glu140Val (NM_001163213.2, NM_001354809.2, NM_001354810.2 and 1 more transcripts); short protein forms E140V.
Identifiers: ClinVar variation 3360194 (VCV003360194.3).